The following is an entry in ClinVar:

ClinVar aggregate classification (germline): Conflicting classifications of pathogenicity. Review status: criteria provided, conflicting classifications (1 of 4 stars). 3 submissions from 3 submitters: Uncertain significance (2); Likely benign (1). Last evaluated 2025-09-26.

Conditions:
Hereditary cancer-predisposing syndrome. Also called: Tumor predisposition; Neoplastic Syndromes, Hereditary; Hereditary Cancer Syndrome; Hereditary neoplastic syndrome. Identifiers: Orphanet 140162, MedGen C0027672, MeSH D009386, MONDO:0015356.
Familial cancer of breast. Also called: BREAST CANCER, FAMILIAL; Hereditary breast cancer; hereditary breast carcinoma. Identifiers: Orphanet 227535, MedGen C0346153, MONDO:0016419, OMIM 114480. Disease mechanism: loss of function.
Fanconi anemia complementation group J. Also called: BRIP1-Related Fanconi Anemia. Identifiers: Orphanet 84, MedGen C1836860, MONDO:0012187, OMIM 609054.

Submissions (3):

Ambry Genetics
Classification: Uncertain significance for Hereditary cancer-predisposing syndrome. Last evaluated: 2025-09-26. Review status: criteria provided, single submitter. Criteria: Ambry Variant Classification Scheme 2023. Collection method: clinical testing. Allele origin: germline.
Comment: The c.1936-5T>A intronic variant results from a T to A substitution 5 nucleotides upstream from coding exon 13 in the BRIP1 gene. This nucleotide position is not well conserved in available vertebrate species. In silico splice site analysis predicts that this alteration may weaken the native splice acceptor site; however, direct evidence is insufficient at this time (Ambry internal data). Based on the available evidence, the clinical significance of this variant remains unclear.

Labcorp Genetics (formerly Invitae), Labcorp
Classification: Likely benign for Familial cancer of breast; Fanconi anemia complementation group J. Last evaluated: 2023-12-18. Review status: criteria provided, single submitter. Criteria: Invitae Variant Classification Sherloc (09022015). Collection method: clinical testing. Allele origin: germline.

Color Diagnostics, LLC DBA Color Health
Classification: Uncertain significance for Hereditary cancer-predisposing syndrome. Last evaluated: 2018-12-10. Review status: criteria provided, single submitter. Criteria: ACMG Guidelines, 2015. Collection method: clinical testing. Allele origin: germline.

NM_032043.3(BRIP1):c.1936-5T>A

Gene: BRIP1 (BRCA1 interacting DNA helicase 1; minus strand). Cytogenetic location: 17q23.2.
Variant type: single nucleotide variant.
Coding change: c.1936-5T>A on transcript NM_032043.3 (MANE Select); 5 bases into the intron before coding-DNA position 1936, T replaced by A.
Molecular consequence: intron variant.
Genome position (GRCh38, 1-based): chr17:61,776,567, A>T on the plus strand (T>A on the coding strand, the complement: BRIP1 is on the minus strand). VCF-style: chr17-61776567-A-T. GRCh37 (hg19) VCF-style: chr17-59853928-A-T.
Identifiers: ClinVar variation 628517 (VCV000628517.18), dbSNP rs769767296, ClinGen allele CA913187801.